The following is an entry in ClinVar:

NM_003001.5(SDHC):c.241+7A>G

Gene: SDHC (succinate dehydrogenase complex subunit C; plus strand). Cytogenetic location: 1q23.3.
Variant type: single nucleotide variant.
Coding change: c.241+7A>G on transcript NM_003001.5 (MANE Select); 7 bases into the intron after coding-DNA position 241, A replaced by G.
Molecular consequence: intron variant.
Genome position (GRCh38, 1-based): chr1:161,340,662, A>G. VCF-style: chr1-161340662-A-G. GRCh37 (hg19) VCF-style: chr1-161310452-A-G.
Other names: c.130+7A>G (NM_001407119.1, NM_001407120.1); c.361+7A>G (NM_001407115.1); c.241+7A>G (NM_001035511.3); c.139+7A>G (NM_001035512.3, NM_001278172.3); c.133+13A>G (NM_001407118.1); c.184+7A>G (NM_001407116.1, NM_001407121.1); c.178+13A>G (NM_001407117.1); c.82+7A>G (NM_001035513.3).
Identifiers: ClinVar variation 239450 (VCV000239450.13), dbSNP rs878854586, ClinGen allele CA10581738.
Genomic context (GRCh38, chr1:161,340,662, plus strand): 5'-TTCCCATGGCGATGTCCATCTGCCACCGTGGCACTGGTATTGCTTTGAGTGCAGGTATGT[A>G]TATGTGTTTTTACACACACATATGTGCTTCTTTGAAAAACTTGGCTGTTTCATTGGCCCT-3'

ClinVar aggregate classification (germline): Likely benign. Review status: criteria provided, multiple submitters, no conflicts (2 of 4 stars). 2 submissions from 2 submitters: Likely benign (2). Last evaluated 2025-10-01.

Conditions:
Gastrointestinal stromal tumor. Also called: Gastrointestinal stromal tumor, somatic; Gastrointestinal stroma tumor. Identifiers: Orphanet 44890, MedGen C0238198, MeSH D046152, MONDO:0011719, OMIM 606764, HP:0100723.
Pheochromocytoma/paraganglioma syndrome 3. Also called: Paragangliomas 3; SDHC-Related Hereditary Paraganglioma-Pheochromocytoma Syndrome (Paragangliomas 3); SDHC-Related Hereditary Paraganglioma-Pheochromocytoma Syndrome; GLOMUS TUMORS, FAMILIAL, 3. Identifiers: Orphanet 29072, MedGen C1854336, MONDO:0011544, OMIM 605373.

Allele frequency attached by ClinVar (database versions not stated): gnomAD exomes below 0.00001; gnomAD 0.00001 and 0.00003; TOPMed 0.00001.
gnomAD v4.1: 4 of 1,612,626 alleles (0.00025%); highest among the groups gnomAD compares: African/African-American, 0.0013%; no homozygotes.

Submissions (2):

Labcorp Genetics (formerly Invitae), Labcorp
Classification: Likely benign for Pheochromocytoma/paraganglioma syndrome 3; Gastrointestinal stromal tumor. Last evaluated: 2025-10-01. Review status: criteria provided, single submitter. Criteria: Invitae Variant Classification Sherloc (09022015). Collection method: clinical testing. Allele origin: germline.

Myriad Genetics, Inc.
Classification: Likely benign for Pheochromocytoma/paraganglioma syndrome 3. Last evaluated: 2025-03-14. Review status: criteria provided, single submitter. Criteria: Myriad Autosomal Dominant, Autosomal Recessive and X-Linked Classification Criteria (2023). Collection method: clinical testing. Allele origin: unknown.
Comment: This variant is considered likely benign. This variant is intronic and is not expected to impact mRNA splicing.